The following is an entry in ClinVar:

NM_000302.4(PLOD1):c.*9G>A

Gene: PLOD1 (procollagen-lysine,2-oxoglutarate 5-dioxygenase 1; plus strand). Cytogenetic location: 1p36.22.
Variant type: single nucleotide variant.
Coding change: c.*9G>A on transcript NM_000302.4 (MANE Select); 9 bases downstream of the stop codon, G replaced by A.
Molecular consequence: 3 prime UTR variant.
Genome position (GRCh38, 1-based): chr1:11,974,817, G>A. VCF-style: chr1-11974817-G-A. GRCh37 (hg19) VCF-style: chr1-12034874-G-A.
Other names: c.*9G>A (NM_001316320.2).
Identifiers: ClinVar variation 4684612 (VCV004684612.1).

ClinVar aggregate classification (germline): Likely benign (1 of 4 stars; one submission).

gnomAD v4.1: 6 of 1,613,924 alleles (0.00037%); highest among the groups gnomAD compares: Admixed American, 0.0017%; no homozygotes.

Submission:

Mayo Clinic Laboratories, Mayo Clinic
Classification: Likely benign. Last evaluated: 2025-02-11. Review status: criteria provided, single submitter. Criteria: ACMG Guidelines, 2015. Collection method: clinical testing. Allele origin: germline. Observed: 1 variant allele.
Comment: BP4, BP7